The following is an entry in ClinVar:

ClinVar aggregate classification (germline): Benign. Review status: criteria provided, multiple submitters, no conflicts (2 of 4 stars). 10 submissions from 10 submitters: Benign (9). 1 of the submissions does not count toward it. Last evaluated 2026-02-04.

Conditions:
Cardiovascular phenotype. Identifiers: MedGen CN230736.
Alstrom syndrome (ALMS). Identifiers: Orphanet 64, MedGen C0268425, MONDO:0008763, OMIM 203800.
Monogenic diabetes. Identifiers: Orphanet 183625, MedGen C3888631, MONDO:0015967.

Allele frequency attached by ClinVar (database versions not stated): gnomAD exomes 0.01286 and 0.03211; ESP Exome Variant Server 0.01403; gnomAD 0.02236 and 0.02260; ExAC 0.02690; TOPMed 0.02951; 1000 Genomes Project 0.03015; 1000 Genomes Project 30x 0.03217.
gnomAD v4.1: 22,128 of 1,613,848 alleles (1.4%); highest among the groups gnomAD compares: Admixed American, 15%; 920 homozygotes.

Submissions (10):

Labcorp Genetics (formerly Invitae), Labcorp
Classification: Benign for Alstrom syndrome. Last evaluated: 2026-02-04. Review status: criteria provided, single submitter. Criteria: Invitae Variant Classification Sherloc (09022015). Collection method: clinical testing. Allele origin: germline.

Blueprint Genetics
Classification: Benign. Last evaluated: 2024-11-26. Review status: criteria provided, single submitter. Criteria: ACMG Guidelines, 2015. Collection method: clinical testing. Allele origin: germline.

Personalized Diabetes Medicine Program, University of Maryland School of Medicine
Classification: Benign for Monogenic diabetes. Last evaluated: 2019-01-25. Review status: criteria provided, single submitter. Criteria: ACMG Guidelines, 2015. Collection method: research. Allele origin: unknown. Observed: 11 variant alleles, 11 heterozygotes.
Comment: ACMG criteria: BP4 (REVEL score 0.039 + 7 predictors), BS1 (17.7% MAF in gnomAD Latino, overall MAF 3%), BA1 (641 homozygotes in gnomAD), BP1 (missense in gene with truncating cause disease): Benign; likely in cis with the other ALMS1 variant

Ambry Genetics
Classification: Benign for Cardiovascular phenotype. Last evaluated: 2018-12-28. Review status: criteria provided, single submitter. Criteria: Ambry Variant Classification Scheme 2023. Collection method: clinical testing. Allele origin: germline.

Athena Diagnostics
Classification: Benign. Last evaluated: 2018-08-10. Review status: criteria provided, single submitter. Criteria: Athena Diagnostics Criteria. Collection method: clinical testing. Allele origin: germline.

GeneDx
Classification: Benign. Last evaluated: 2016-10-03. Review status: criteria provided, single submitter. Criteria: GeneDx Variant Classification (06012015). Collection method: clinical testing. Allele origin: germline. Affected: yes.
Comment: This variant is considered likely benign or benign based on one or more of the following criteria: it is a conservative change, it occurs at a poorly conserved position in the protein, it is predicted to be benign by multiple in silico algorithms, and/or has population frequency not consistent with disease.

Laboratory for Molecular Medicine, Mass General Brigham Personalized Medicine
Classification: Benign. Last evaluated: 2016-03-21. Review status: criteria provided, single submitter. Criteria: LMM Criteria. Collection method: clinical testing. Allele origin: germline. Observed: 19 variant alleles.
Comment: p.Arg1928Gln in exon 8 of ALMS1: This variant is not expected to have clinical s ignificance because it has been identified in 19.32% (2222/11500) of Latino chro mosomes by the Exome Aggregation Consortium (ExAC, g; dbSNP rs17009061).

Breakthrough Genomics
Classification: Benign. Review status: criteria provided, single submitter. Criteria: ACMG Guidelines, 2015. Collection method: not provided. Allele origin: germline. Inheritance: Autosomal recessive inheritance. Affected: yes.

Clinical Genomics, Uppaluri K&H Personalized Medicine Clinic
Classification: Benign for Alstrom syndrome. Review status: criteria provided, single submitter. Criteria: K & H Uppaluri Personalized Medicine Clinic Variant Classification & Assertion Criteria_Updated V.1. Collection method: research. Allele origin: unknown. Inheritance: Autosomal recessive inheritance.
Comment: Potent mutations in ALMS1 are associated with a rare condition called Alstrom syndrome. It can cause excessive eating, insulin resistance. However, no evidence is found to ascertain the role of rs17009061 in Alstrom syndrome yet.

Natera, Inc.
Classification: Benign for Alstrom syndrome. Last evaluated: 2020-09-16. Review status: no assertion criteria provided. Collection method: clinical testing. Allele origin: germline. Not counted in ClinVar's aggregate classification.

Literature cited by the submitters: PubMed 34148947 (cited by Clinical Genomics, Uppaluri K&H Personalized Medicine Clinic); PubMed 25846608 (cited by Clinical Genomics, Uppaluri K&H Personalized Medicine Clinic); PubMed 30421101 (cited by Clinical Genomics, Uppaluri K&H Personalized Medicine Clinic); PubMed 33669459 (cited by Clinical Genomics, Uppaluri K&H Personalized Medicine Clinic).

NM_001378454.1(ALMS1):c.5786G>A (p.Arg1929Gln)

Gene: ALMS1 (ALMS1 centrosome and basal body associated protein; plus strand). Cytogenetic location: 2p13.1.
Variant type: single nucleotide variant.
Coding change: c.5786G>A on transcript NM_001378454.1 (MANE Select); coding-DNA position 5786, G replaced by A.
Protein change: p.Arg1929Gln; replaces arginine 1929 with glutamine.
Molecular consequence: missense variant.
Genome position (GRCh38, 1-based): chr2:73,452,313, G>A. VCF-style: chr2-73452313-G-A. GRCh37 (hg19) VCF-style: chr2-73679440-G-A.
Other names: NM_015120.4:c.5783G>A; p.Arg1928Gln; c.5789G>A, p.Arg1930Gln (NM_015120.4); short protein forms R1930Q, R1929Q.
Identifiers: ClinVar variation 389387 (VCV000389387.23), dbSNP rs17009061, ClinGen allele CA1713939.